The following is an entry in ClinVar:

NM_194248.3(OTOF):c.5072T>C (p.Leu1691Pro)

Genes: OTOF (otoferlin; minus strand), LOC112840921 (BRD4-independent group 4 enhancer GRCh37_chr2:26685720-26686919; plus strand). Cytogenetic location: 2p23.3.
Variant type: single nucleotide variant.
Coding change: c.5072T>C on transcript NM_194248.3 (MANE Select); coding-DNA position 5072, T replaced by C.
Protein change: p.Leu1691Pro; replaces leucine 1691 with proline.
Molecular consequence: missense variant.
Genome position (GRCh38, 1-based): chr2:26,463,995, A>G on the plus strand (T>C on the coding strand, the complement: OTOF is on the minus strand). VCF-style: chr2-26463995-A-G. GRCh37 (hg19) VCF-style: chr2-26686863-A-G.
Other names: c.5072T>C, p.Leu1691Pro (NM_001287489.2); c.2771T>C, p.Leu924Pro (NM_004802.4, NM_194323.3); c.3002T>C, p.Leu1001Pro (NM_194322.3); short protein forms L1001P, L924P, L1691P.
Identifiers: ClinVar variation 4999264 (VCV004999264.1).

ClinVar aggregate classification (germline): Likely pathogenic (1 of 4 stars; one submission).

Conditions:
OTOF-related disorder. Also called: OTOF-related condition.

Submission:

PreventionGenetics, part of Exact Sciences
Classification: Likely pathogenic for OTOF-related condition. Last evaluated: 2026-01-27. Review status: criteria provided, single submitter. Criteria: ACMG Guidelines, 2015. Collection method: clinical testing. Allele origin: germline.
Comment: The OTOF c.5072T>C variant is predicted to result in the amino acid substitution p.Leu1691Pro. To our knowledge, this variant has not been reported in the literature or in a large population database, indicating this variant is rare. This variant is interpreted as likely pathogenic.